The following is an entry in ClinVar:

ClinVar aggregate classification (germline): Uncertain significance (1 of 4 stars; one submission).

Allele frequency attached by ClinVar (database versions not stated): TOPMed below 0.00001.

Submission:

Labcorp Genetics (formerly Invitae), Labcorp
Classification: Uncertain significance. Last evaluated: 2023-01-24. Review status: criteria provided, single submitter. Criteria: Invitae Variant Classification Sherloc (09022015). Collection method: clinical testing. Allele origin: germline.
Comment: In summary, the available evidence is currently insufficient to determine the role of this variant in disease. Therefore, it has been classified as a Variant of Uncertain Significance. Variants that disrupt the consensus splice site are a relatively common cause of aberrant splicing (PMID: 17576681, 9536098). Algorithms developed to predict the effect of sequence changes on RNA splicing suggest that this variant is not likely to affect RNA splicing. This variant has not been reported in the literature in individuals affected with COL4A1-related conditions. This variant is not present in population databases (gnomAD no frequency). This sequence change falls in intron 49 of the COL4A1 gene. It does not directly change the encoded amino acid sequence of the COL4A1 protein. It affects a nucleotide within the consensus splice site.

Literature cited by the submitters: PubMed 17576681; PubMed 9536098.

NM_001845.6(COL4A1):c.4640+4A>G

Gene: COL4A1 (collagen type IV alpha 1 chain; minus strand). Cytogenetic location: 13q34.
Variant type: single nucleotide variant.
Coding change: c.4640+4A>G on transcript NM_001845.6 (MANE Select); 4 bases into the intron after coding-DNA position 4640, A replaced by G.
Molecular consequence: intron variant.
Genome position (GRCh38, 1-based): chr13:110,161,188, T>C on the plus strand (A>G on the coding strand, the complement: COL4A1 is on the minus strand). VCF-style: chr13-110161188-T-C. GRCh37 (hg19) VCF-style: chr13-110813535-T-C.
Identifiers: ClinVar variation 2904861 (VCV002904861.3), dbSNP rs1877067487, ClinGen allele CA2118728239.